The following is an entry in ClinVar:

NM_001972.4(ELANE):c.308G>C (p.Arg103Pro)

Gene: ELANE (elastase, neutrophil expressed; plus strand). Cytogenetic location: 19p13.3.
Variant type: single nucleotide variant.
Coding change: c.308G>C on transcript NM_001972.4 (MANE Select); coding-DNA position 308, G replaced by C.
Protein change: p.Arg103Pro; replaces arginine 103 with proline.
Molecular consequence: missense variant.
Genome position (GRCh38, 1-based): chr19:853,345, G>C. VCF-style: chr19-853345-G-C. GRCh37 (hg19) VCF-style: chr19-853345-G-C.
Other names: short protein forms R103P.
Identifiers: ClinVar variation 842953 (VCV000842953.13), dbSNP rs745455816, ClinGen allele CA402916128.
Genomic context (GRCh38, chr19:853,345, plus strand): 5'-TCCTGGGAGCCCATAACCTCTCGCGGCGGGAGCCCACCCGGCAGGTGTTCGCCGTGCAGC[G>C]CATCTTCGAAAACGGCTACGACCCCGTAAACTTGCTCAACGACATCGTGATTCTCCAGGT-3'
Protein context (NP_001963.1, residues 93-113): EPTRQVFAVQ[Arg103Pro]IFENGYDPVN

ClinVar aggregate classification (germline): Pathogenic/Likely pathogenic. Review status: criteria provided, multiple submitters, no conflicts (2 of 4 stars). 2 submissions from 2 submitters: Pathogenic (1); Likely pathogenic (1). Last evaluated 2026-07-16.

Conditions:
Cyclical neutropenia. Also called: Cyclic Neutropenia; Cyclic hematopoiesis. Identifiers: Orphanet 2686, MedGen C0221023, MONDO:0008090, OMIM 162800, HP:0040289. Disease mechanism: loss of function.
Neutropenia, severe congenital, 1, autosomal dominant. Identifiers: MedGen C1859966, MONDO:0042490, OMIM 202700.

Submissions (2):

Institute of Medical Genetics and Applied Genomics, University Hospital Tübingen
Classification: Likely pathogenic for Neutropenia, severe congenital, 1, autosomal dominant. Last evaluated: 2026-07-16. Review status: criteria provided, single submitter. Criteria: ACMG Guidelines, 2015. Collection method: clinical testing. Allele origin: germline. Inheritance: Autosomal dominant inheritance. Affected: yes.

Labcorp Genetics (formerly Invitae), Labcorp
Classification: Pathogenic for Neutropenia, severe congenital, 1, autosomal dominant; Cyclical neutropenia. Last evaluated: 2022-11-01. Review status: criteria provided, single submitter. Criteria: Invitae Variant Classification Sherloc (09022015). Collection method: clinical testing. Allele origin: germline.
Comment: This missense change has been observed in individual(s) with congenital neutropenia (PMID: 19775295, 23463630, 33225392; Invitae). In at least one individual the variant was observed to be de novo. This variant is also known as p.Arg74Pro. This sequence change replaces arginine, which is basic and polar, with proline, which is neutral and non-polar, at codon 103 of the ELANE protein (p.Arg103Pro). This variant is not present in population databases (gnomAD no frequency). This variant disrupts the p.Arg103 amino acid residue in ELANE. Other variant(s) that disrupt this residue have been observed in individuals with ELANE-related conditions (PMID: 23463630), which suggests that this may be a clinically significant amino acid residue. ClinVar contains an entry for this variant (Variation ID: 842953). Advanced modeling of protein sequence and biophysical properties (such as structural, functional, and spatial information, amino acid conservation, physicochemical variation, residue mobility, and thermodynamic stability) performed at Invitae indicates that this missense variant is expected to disrupt ELANE protein function. For these reasons, this variant has been classified as Pathogenic.

Literature cited by the submitters: PubMed 19775295 (cited by Labcorp Genetics (formerly Invitae), Labcorp); PubMed 23463630 (cited by Labcorp Genetics (formerly Invitae), Labcorp); PubMed 33225392 (cited by Labcorp Genetics (formerly Invitae), Labcorp).